The following is an entry in ClinVar:

NM_033380.3(COL4A5):c.5012C>T (p.Thr1671Met)

Gene: COL4A5 (collagen type IV alpha 5 chain; plus strand). Cytogenetic location: Xq22.3.
Variant type: single nucleotide variant.
Coding change: c.5012C>T on transcript NM_033380.3 (MANE Select); coding-DNA position 5012, C replaced by T.
Protein change: p.Thr1671Met; replaces threonine 1671 with methionine.
Molecular consequence: missense variant.
Genome position (GRCh38, 1-based): chrX:108,696,314, C>T. VCF-style: chrX-108696314-C-T. GRCh37 (hg19) VCF-style: chrX-107939544-C-T.
Other names: c.4994C>T (NM_000495.3); c.4994C>T, p.Thr1665Met (NM_000495.5); short protein forms T1671M, T1665M.
Identifiers: ClinVar variation 733788 (VCV000733788.13), dbSNP rs745360151, ClinGen allele CA10489459.

ClinVar aggregate classification (germline): Benign/Likely benign. Review status: criteria provided, multiple submitters, no conflicts (2 of 4 stars). 3 submissions from 3 submitters: Benign (1); Likely benign (1). 1 of the submissions does not count toward it. Last evaluated 2025-12-23.

Conditions:
Inborn genetic diseases. Identifiers: MedGen C0950123, MeSH D030342.
COL4A5-related disorder. Also called: COL4A5-related condition.

Allele frequency attached by ClinVar (database versions not stated): gnomAD exomes 0.00007 and 0.00016; TOPMed 0.00009; gnomAD 0.00011 and 0.00013; ExAC 0.00014.
gnomAD v4.1: 101 of 1,206,705 alleles (0.0084%); highest among the groups gnomAD compares: South Asian, 0.097%; 1 homozygote.

Submissions (3):

Labcorp Genetics (formerly Invitae), Labcorp
Classification: Benign. Last evaluated: 2025-12-23. Review status: criteria provided, single submitter. Criteria: Invitae Variant Classification Sherloc (09022015). Collection method: clinical testing. Allele origin: germline.

Ambry Genetics
Classification: Likely benign for Inborn genetic diseases. Last evaluated: 2025-02-22. Review status: criteria provided, single submitter. Criteria: Ambry Variant Classification Scheme 2023. Collection method: clinical testing. Allele origin: germline.

PreventionGenetics, part of Exact Sciences
Classification: Likely benign for COL4A5-related condition. Last evaluated: 2020-01-22. Review status: no assertion criteria provided. Collection method: clinical testing. Allele origin: germline. Not counted in ClinVar's aggregate classification.
Comment: This variant is classified as likely benign based on ACMG/AMP sequence variant interpretation guidelines (Richards et al. 2015 PMID: 25741868, with internal and published modifications).